The following is an entry in ClinVar:

NM_080669.6(SLC46A1):c.1334del (p.Lys445fs)

Genes: SARM1 (sterile alpha and TIR motif containing 1; plus strand), SLC46A1 (solute carrier family 46 member 1; minus strand). Cytogenetic location: 17q11.2.
Variant type: Deletion.
Coding change: c.1334del on transcript NM_080669.6 (MANE Select); coding-DNA position 1334, one base deleted (A; older notation c.1334delA).
Protein change: p.Lys445fs; shifts the reading frame from lysine 445.
Molecular consequence: frameshift variant. On other transcripts: 3 prime UTR variant (1).
Genome position (GRCh38, 1-based): chr17:28,399,702, T deleted on the plus strand (A on the coding strand, the reverse complement: SLC46A1 is on the minus strand); the first of 4 consecutive T bases (chr17:28,399,702-28,399,705); deleting any one gives the same sequence. VCF-style (leftmost placement, unchanged base first): chr17-28399701-CT-C. GRCh37 (hg19) VCF-style: chr17-26726717-CT-C.
Other names: c.1250del, p.Lys417fs (NM_001242366.3); c.*3419del (NM_015077.4); short protein forms K417fs, K445fs.
Identifiers: ClinVar variation 1804847 (VCV001804847.4), dbSNP rs1555589104, ClinGen allele CA625382579.
Genomic context (GRCh38, chr17:28,399,701, plus strand): 5'-TCTGGTCCAGGCAGATCAGGGGCTCTGGGGAAACTGCTGGAACTCGAGGTGAGGATCAGC[CT>C]TTTCCAGCATCCTGTGAGAGACCAGAGAGAGAGTTTGGATTTCATGTGGGGAACCCTCAA-3'

ClinVar aggregate classification (germline): Uncertain significance. Review status: criteria provided, multiple submitters, no conflicts (2 of 4 stars). 2 submissions from 2 submitters: Uncertain significance (2). Last evaluated 2022-11-11.

Conditions:
Congenital defect of folate absorption. Also called: Hereditary Folate Malabsorption. Identifiers: Orphanet 90045, MedGen C0342705, MONDO:0009238, OMIM 229050.

Submissions (2):

Women's Health and Genetics/Laboratory Corporation of America, LabCorp
Classification: Uncertain significance. Last evaluated: 2022-11-11. Review status: criteria provided, single submitter. Criteria: LabCorp Variant Classification Summary - May 2015. Collection method: clinical testing. Allele origin: germline.
Comment: Variant summary: SLC46A1 c.1334delA (p.Lys445ArgfsX52) causes a frameshift which results in an extension of the protein. Extensions of this protein have not been classified pathogenic in ClinVar. The variant was absent in 248472 control chromosomes (gnomAD). To our knowledge, no occurrence of c.1334delA in individuals affected with Congenital Defect Of Folate Absorption and no experimental evidence demonstrating its impact on protein function have been reported. No clinical diagnostic laboratories have submitted clinical-significance assessments for this variant to ClinVar after 2014. Based on the evidence outlined above, the variant was classified as uncertain significance.

Revvity Omics, Revvity
Classification: Uncertain significance for Congenital defect of folate absorption. Last evaluated: 2021-11-11. Review status: criteria provided, single submitter. Criteria: ACMG Guidelines, 2015. Collection method: clinical testing. Allele origin: germline.